The following is an entry in ClinVar:

ClinVar aggregate classification (germline): Uncertain significance. Review status: criteria provided, multiple submitters, no conflicts (2 of 4 stars). 3 submissions from 3 submitters: Uncertain significance (3). Last evaluated 2025-10-13.

Allele frequency attached by ClinVar (database versions not stated): ESP Exome Variant Server 0.00008; gnomAD 0.00017; gnomAD exomes 0.00019; TOPMed 0.00022; ExAC 0.00046.
gnomAD v4.1: 308 of 1,598,100 alleles (0.019%); highest among the groups gnomAD compares: Middle Eastern, 0.12%; 2 homozygotes.

Submissions (3):

Labcorp Genetics (formerly Invitae), Labcorp
Classification: Uncertain significance. Last evaluated: 2025-10-13. Review status: criteria provided, single submitter. Criteria: Invitae Variant Classification Sherloc (09022015). Collection method: clinical testing. Allele origin: germline.
Comment: This sequence change replaces aspartic acid, which is acidic and polar, with asparagine, which is neutral and polar, at codon 813 of the TNK2 protein (p.Asp813Asn). This variant is present in population databases (rs373598238, gnomAD 0.06%). This variant has not been reported in the literature in individuals affected with TNK2-related conditions. ClinVar contains an entry for this variant (Variation ID: 2654501). An algorithm developed to predict the effect of missense changes on protein structure and function (PolyPhen-2) suggests that this variant is likely to be disruptive. In summary, the available evidence is currently insufficient to determine the role of this variant in disease. Therefore, it has been classified as a Variant of Uncertain Significance.

Ambry Genetics
Classification: Uncertain significance. Last evaluated: 2023-12-17. Review status: criteria provided, single submitter. Criteria: Ambry Variant Classification Scheme 2023. Collection method: clinical testing. Allele origin: germline.

CeGaT Center for Human Genetics Tuebingen
Classification: Uncertain significance. Last evaluated: 2023-08-01. Review status: criteria provided, single submitter. Criteria: CeGaT Center For Human Genetics Tuebingen Variant Classification Criteria Version 2. Collection method: clinical testing. Allele origin: germline. Affected: yes. Observed: 1 variant allele.

NM_001382273.1(TNK2):c.2248G>A (p.Asp750Asn)

Gene: TNK2 (tyrosine kinase non receptor 2; minus strand). Cytogenetic location: 3q29.
Variant type: single nucleotide variant.
Coding change: c.2248G>A on transcript NM_001382273.1 (MANE Select); coding-DNA position 2248, G replaced by A.
Protein change: p.Asp750Asn; replaces aspartic acid 750 with asparagine.
Molecular consequence: missense variant. On other transcripts: non-coding transcript variant (15).
Genome position (GRCh38, 1-based): chr3:195,868,050, C>T on the plus strand (G>A on the coding strand, the complement: TNK2 is on the minus strand). VCF-style: chr3-195868050-C-T. GRCh37 (hg19) VCF-style: chr3-195594921-C-T.
Other names: c.2320G>A, p.Asp774Asn (NM_001010938.2, NM_001382272.1); c.2299G>A, p.Asp767Asn (NM_001308046.2, NM_001382271.1); c.2248G>A, p.Asp750Asn (NM_001382274.1, NM_001387716.1, NM_001387717.1 and 1 more transcripts); c.2344G>A, p.Asp782Asn (NM_001382275.1, NM_001387707.1); c.2203G>A, p.Asp735Asn (NM_001386164.1, NM_001387709.1, NM_001387710.1 and 8 more transcripts); c.2275G>A, p.Asp759Asn (NM_001387708.1, NM_001387715.1); c.2437G>A (NM_001010938.1); short protein forms D735N, D750N, D759N, D767N, D774N, D782N.
Identifiers: ClinVar variation 2654501 (VCV002654501.27), dbSNP rs373598238, ClinGen allele CA2776001.
Genomic context (GRCh38, chr3:195,868,050, plus strand): 5'-GGACGTGTGGGCGCGTGGGCCGAGGGGGGATGGGTACCCGAGGAGGCACCTGGGGCTTGT[C>T]GTCACCCCCCGGGCTGGGAGAGGGGGCCGGGGAGCCGGCCGGAGCCTGCAGTTGCCTCAT-3'
Protein context (NP_001369202.1, residues 740-760): PAPSPSPGGD[Asp750Asn]KPQVPPRVPI